The following is an entry in ClinVar:

ClinVar aggregate classification (germline): Likely pathogenic. Review status: criteria provided, single submitter (1 of 4 stars). 2 submissions from 2 submitters: Likely pathogenic (1). 1 of the submissions does not count toward it. Last evaluated 2020-12-18.

Conditions:
Congenital disorder of glycosylation, type iit. Also called: CDG IIt. Identifiers: MedGen C5394387, MONDO:0030043, OMIM 618885.

Submissions (2):

SIB Swiss Institute of Bioinformatics
Classification: Likely pathogenic for Congenital disorder of glycosylation, type iit. Last evaluated: 2020-12-18. Review status: criteria provided, single submitter. Criteria: ACMG Guidelines, 2015. Collection method: curation. Allele origin: unknown.
Comment: This variant is interpreted as Likely pathogenic for Congenital disorder of glycosylation 2T, autosomal recessive. The following ACMG Tag(s) were applied: Absent from controls (or at extremely low frequency if recessive) in Exome Sequencing Project, 1000 Genomes Project, or Exome Aggregation Consortium (PM2); Cosegregation with disease in multiple affected family members in a gene definitively known to cause the disease (PP1); Multiple lines of computational evidence support a deleterious effect on the gene or gene product (PP3); Well-established functional studies show a deleterious effect (PS3).

OMIM
Classification: Pathogenic for CONGENITAL DISORDER OF GLYCOSYLATION, TYPE IIt. Last evaluated: 2020-05-20. Review status: no assertion criteria provided. Collection method: literature only. Allele origin: germline. Not counted in ClinVar's aggregate classification.

Literature cited by the submitters: PubMed 32293671 (cited by SIB Swiss Institute of Bioinformatics and OMIM).

NM_004481.5(GALNT2):c.629G>C (p.Arg210Pro)

Gene: GALNT2 (polypeptide N-acetylgalactosaminyltransferase 2; plus strand). Cytogenetic location: 1q42.13.
Variant type: single nucleotide variant.
Coding change: c.629G>C on transcript NM_004481.5 (MANE Select); coding-DNA position 629, G replaced by C.
Protein change: p.Arg210Pro; replaces arginine 210 with proline.
Molecular consequence: missense variant.
Genome position (GRCh38, 1-based): chr1:230,243,327, G>C. VCF-style: chr1-230243327-G-C. GRCh37 (hg19) VCF-style: chr1-230379073-G-C.
Other names: c.515G>C, p.Arg172Pro (NM_001291866.2); short protein forms R210P, R172P.
Identifiers: ClinVar variation 873548 (VCV000873548.2), dbSNP rs376870425, ClinGen allele CA345183300.